The following is an entry in ClinVar:

NM_001005373.4(LRSAM1):c.913C>T (p.Arg305Trp)

Gene: LRSAM1 (leucine rich repeat and sterile alpha motif containing 1; plus strand). Cytogenetic location: 9q33.3.
Variant type: single nucleotide variant.
Coding change: c.913C>T on transcript NM_001005373.4 (MANE Select); coding-DNA position 913, C replaced by T.
Protein change: p.Arg305Trp; replaces arginine 305 with tryptophan.
Molecular consequence: missense variant. On other transcripts: non-coding transcript variant (2).
Genome position (GRCh38, 1-based): chr9:127,479,848, C>T. VCF-style: chr9-127479848-C-T. GRCh37 (hg19) VCF-style: chr9-130242127-C-T.
Other names: c.913C>T (NM_138361.4); c.913C>T, p.Arg305Trp (NM_001005374.4, NM_001190723.3, NM_001384142.1 and 2 more transcripts); c.124C>T, p.Arg42Trp (NM_001384144.1); short protein forms R305W, R42W.
Identifiers: ClinVar variation 472806 (VCV000472806.10), dbSNP rs376566243, ClinGen allele CA199848694.
Genomic context (GRCh38, chr9:127,479,848, plus strand): 5'-ACGGCGTCTGAGGGGGTCCCAGGGGCTCAGGACCCCTACCTCCGGCTGCAGGAGCAGTCC[C>T]GGCTGGAGCAGGGCCTGAGTGAGCACCAGCGCCACCTCAACGCAGAGCGGCAGCGGCTGC-3'
Protein context (NP_001005373.1, residues 295-315): ILQTVKEEQS[Arg305Trp]LEQGLSEHQR

ClinVar aggregate classification (germline): Uncertain significance. Review status: criteria provided, multiple submitters, no conflicts (2 of 4 stars). 3 submissions from 3 submitters: Uncertain significance (3). Last evaluated 2025-12-08.

Conditions:
Inborn genetic diseases. Identifiers: MedGen C0950123, MeSH D030342.
Charcot-Marie-Tooth disease axonal type 2P. Also called: CHARCOT-MARIE-TOOTH NEUROPATHY, TYPE 2P; Charcot-Marie-Tooth Neuropathy Type 2G; CHARCOT-MARIE-TOOTH DISEASE, AXONAL, TYPE 2G; CMT 2G. Identifiers: Orphanet 300319, Orphanet 99941, MedGen C3280797, MONDO:0013753, OMIM 614436.

Allele frequency attached by ClinVar (database versions not stated): gnomAD exomes 0.00002; gnomAD 0.00006; TOPMed 0.00014; ESP Exome Variant Server 0.00015.
gnomAD v4.1: 38 of 1,612,598 alleles (0.0024%); highest among the groups gnomAD compares: Admixed American, 0.005%; no homozygotes.

Submissions (3):

Labcorp Genetics (formerly Invitae), Labcorp
Classification: Uncertain significance for Charcot-Marie-Tooth disease axonal type 2P. Last evaluated: 2025-12-08. Review status: criteria provided, single submitter. Criteria: Invitae Variant Classification Sherloc (09022015). Collection method: clinical testing. Allele origin: germline.
Comment: This sequence change replaces arginine, which is basic and polar, with tryptophan, which is neutral and slightly polar, at codon 305 of the LRSAM1 protein (p.Arg305Trp). This variant is present in population databases (rs376566243, gnomAD 0.006%). This missense change has been observed in individual(s) with clinical features of LRSAM1-related conditions (internal data). ClinVar contains an entry for this variant (Variation ID: 472806). Invitae Evidence Modeling of protein sequence and biophysical properties (such as structural, functional, and spatial information, amino acid conservation, physicochemical variation, residue mobility, and thermodynamic stability) indicates that this missense variant is expected to disrupt LRSAM1 protein function with a positive predictive value of 80%. In summary, the available evidence is currently insufficient to determine the role of this variant in disease. Therefore, it has been classified as a Variant of Uncertain Significance.

GeneDx
Classification: Uncertain significance. Last evaluated: 2024-01-21. Review status: criteria provided, single submitter. Criteria: GeneDx Variant Classification Process June 2021. Collection method: clinical testing. Allele origin: germline. Affected: yes.
Comment: Reported heterozygous in a patient with suspected amyotrophic lateral sclerosis with subjective paresthesias and weakness who also harbored a variant in the REEP1 gene (Qin et al. (2023) Ibrain. 1(7)); In silico analysis supports that this missense variant has a deleterious effect on protein structure/function; This variant is associated with the following publications: (PMID: Qin2023[CaseReport])

Ambry Genetics
Classification: Uncertain significance for Inborn genetic diseases. Last evaluated: 2023-04-12. Review status: criteria provided, single submitter. Criteria: Ambry Variant Classification Scheme 2023. Collection method: clinical testing. Allele origin: germline.